The following is an entry in ClinVar:

ClinVar aggregate classification (germline): Uncertain significance. Review status: criteria provided, multiple submitters, no conflicts (2 of 4 stars). 3 submissions from 3 submitters: Uncertain significance (3). Last evaluated 2025-10-06.

Conditions:
Hypertrophic cardiomyopathy 14. Identifiers: MedGen C2750467, MONDO:0013197, OMIM 613251.
Cardiovascular phenotype. Identifiers: MedGen CN230736.

Allele frequency attached by ClinVar (database versions not stated): TOPMed 0.00001; ESP Exome Variant Server 0.00008.
gnomAD v4.1: 58 of 1,614,126 alleles (0.0036%); highest among the groups gnomAD compares: Non-Finnish European, 0.0049%; no homozygotes.

Submissions (3):

Labcorp Genetics (formerly Invitae), Labcorp
Classification: Uncertain significance for Hypertrophic cardiomyopathy 14. Last evaluated: 2025-10-06. Review status: criteria provided, single submitter. Criteria: Invitae Variant Classification Sherloc (09022015). Collection method: clinical testing. Allele origin: germline.
Comment: This sequence change replaces valine, which is neutral and non-polar, with leucine, which is neutral and non-polar, at codon 59 of the MYH6 protein (p.Val59Leu). This variant is present in population databases (rs377029781, gnomAD 0.004%). This variant has not been reported in the literature in individuals affected with MYH6-related conditions. ClinVar contains an entry for this variant (Variation ID: 1420949). Invitae Evidence Modeling of protein sequence and biophysical properties (such as structural, functional, and spatial information, amino acid conservation, physicochemical variation, residue mobility, and thermodynamic stability) indicates that this missense variant is not expected to disrupt MYH6 protein function with a negative predictive value of 80%. In summary, the available evidence is currently insufficient to determine the role of this variant in disease. Therefore, it has been classified as a Variant of Uncertain Significance.

Ambry Genetics
Classification: Uncertain significance for Cardiovascular phenotype. Last evaluated: 2023-11-09. Review status: criteria provided, single submitter. Criteria: Ambry Variant Classification Scheme 2023. Collection method: clinical testing. Allele origin: germline.
Comment: The p.V59L variant (also known as c.175G>C), located in coding exon 1 of the MYH6 gene, results from a G to C substitution at nucleotide position 175. The valine at codon 59 is replaced by leucine, an amino acid with highly similar properties. This amino acid position is conserved. In addition, this alteration is predicted to be tolerated by in silico analysis. Since supporting evidence is limited at this time, the clinical significance of this alteration remains unclear.

GeneDx
Classification: Uncertain significance. Last evaluated: 2023-02-15. Review status: criteria provided, single submitter. Criteria: GeneDx Variant Classification Process June 2021. Collection method: clinical testing. Allele origin: germline. Affected: yes.
Comment: Not observed at significant frequency in large population cohorts (gnomAD); In silico analysis supports that this missense variant does not alter protein structure/function; Has not been previously published as pathogenic or benign to our knowledge

NM_002471.4(MYH6):c.175G>C (p.Val59Leu)

Genes: MYH6 (myosin heavy chain 6; minus strand), LOC114827851 (VISTA enhancer hs2155; plus strand). Cytogenetic location: 14q11.2.
Variant type: single nucleotide variant.
Coding change: c.175G>C on transcript NM_002471.4 (MANE Select); coding-DNA position 175, G replaced by C.
Protein change: p.Val59Leu; replaces valine 59 with leucine.
Molecular consequence: missense variant.
Genome position (GRCh38, 1-based): chr14:23,407,049, C>G on the plus strand (G>C on the coding strand, the complement: MYH6 is on the minus strand). VCF-style: chr14-23407049-C-G. GRCh37 (hg19) VCF-style: chr14-23876258-C-G.
Other names: c.175G>C (NM_002471.3); short protein forms V59L.
Identifiers: ClinVar variation 1420949 (VCV001420949.7), dbSNP rs377029781, ClinGen allele CA7116254.
Genomic context (GRCh38, chr14:23,407,049, plus strand): 5'-CTTCCCTTCTGCCCCGGCGCCATGCCCTACTCACCTTCCCATTCTCGGTTTCAGCAATGA[C>G]CTTGCCTCCCTCCCGGGACAAAATCTTGGCTTTGACAAACTCTTCCTTGTCATCGGGCAC-3'
Protein context (NP_002462.2, residues 49-69): AKILSREGGK[Val59Leu]IAETENGKTV